The following is an entry in ClinVar:

NM_004247.4(EFTUD2):c.2466+1G>A

Gene: EFTUD2 (elongation factor Tu GTP binding domain containing 2; minus strand). Cytogenetic location: 17q21.31.
Variant type: single nucleotide variant.
Coding change: c.2466+1G>A on transcript NM_004247.4 (MANE Select); the canonical splice donor site of the intron after coding-DNA position 2466, G replaced by A.
Molecular consequence: splice donor variant.
Genome position (GRCh38, 1-based): chr17:44,853,516, C>T on the plus strand (G>A on the coding strand, the complement: EFTUD2 is on the minus strand). VCF-style: chr17-44853516-C-T. GRCh37 (hg19) VCF-style: chr17-42930884-C-T.
Other names: c.2361+1G>A (NM_001142605.2); c.2436+1G>A (NM_001258354.2); c.2466+1G>A (NM_001258353.2).
Identifiers: ClinVar variation 424276 (VCV000424276.3), dbSNP rs1064796893, ClinGen allele CA16620452.
Genomic context (GRCh38, chr17:44,853,516, plus strand): 5'-CTCCTTCACTTAGTCCCCTGTCCAGTGAAGCAGATGGTCCCCTACCGCCCCATTCTCTTA[C>T]CATGAGGAAGGCAGAGTAGACGACTCTCCTGGCTGTGGGGATGATCTGGCCCCCGCCCCG-3'

ClinVar aggregate classification (germline): Pathogenic. Review status: criteria provided, multiple submitters, no conflicts (2 of 4 stars). 2 submissions from 2 submitters: Pathogenic (2). Last evaluated 2021-10-20.

Conditions:
Multiple congenital anomalies/dysmorphic syndrome-intellectual disability. Identifiers: Orphanet 102283, MedGen C5680372, MONDO:0015159.

Submissions (2):

AURAGEN, Plan France Médecine Génomique
Classification: Pathogenic for Multiple congenital anomalies/dysmorphic syndrome-intellectual disability. Last evaluated: 2021-10-20. Review status: criteria provided, single submitter. Criteria: PFMG2025 (Lancet Reg Health Eur. 2025). Collection method: clinical testing. Allele origin: germline. Affected: yes.

GeneDx
Classification: Pathogenic. Last evaluated: 2017-03-16. Review status: criteria provided, single submitter. Criteria: GeneDx Variant Classification (06012015). Collection method: clinical testing. Allele origin: germline. Affected: yes.
Comment: The c.2466+1G>A variant in the EFTUD2 gene has not been reported previously as a pathogenic variant nor as a benign variant, to our knowledge. This splice site variant destroys the canonical splice donor site in intron 24. It is predicted to cause abnormal gene splicing, either leading to an abnormal message that is subject to nonsense-mediated mRNA decay, or to an abnormal protein product if the message is used for protein translation. The c.2466+1G>A variant is not observed in large population cohorts (Lek et al., 2016; 1000 Genomes Consortium et al., 2015; Exome Variant Server). We interpret c.2466+1G>A as a pathogenic variant consistent with the clinical features reported in this individual.